The following is an entry in ClinVar:

NM_001048174.2(MUTYH):c.163T>G (p.Ser55Ala)

Gene: MUTYH (mutY DNA glycosylase; minus strand). Cytogenetic location: 1p34.1.
Variant type: single nucleotide variant.
Coding change: c.163T>G on transcript NM_001048174.2 (MANE Select); coding-DNA position 163, T replaced by G.
Protein change: p.Ser55Ala; replaces serine 55 with alanine.
Molecular consequence: missense variant. On other transcripts: 5 prime UTR variant (1), non-coding transcript variant (5), intron variant (5).
Genome position (GRCh38, 1-based): chr1:45,333,514, A>C on the plus strand (T>G on the coding strand, the complement: MUTYH is on the minus strand). VCF-style: chr1-45333514-A-C. GRCh37 (hg19) VCF-style: chr1-45799186-A-C.
Other names: c.163T>G, p.Ser55Ala (NM_001048171.2, NM_001048173.2, NM_001293195.2 and 6 more transcripts); c.166T>G, p.Ser56Ala (NM_001048172.2, NM_001407071.1, NM_001407078.1 and 2 more transcripts); c.247T>G, p.Ser83Ala (NM_001128425.2); c.208T>G, p.Ser70Ala (NM_001293190.2); c.196T>G, p.Ser66Ala (NM_001293191.2, NM_001407077.1); c.-109T>G (NM_001350650.2); c.238T>G, p.Ser80Ala (NM_001407069.1, NM_012222.3); c.205T>G, p.Ser69Ala (NM_001407073.1, NM_001407083.1, NM_001407085.1); and 4 more; short protein forms S55A, S66A, S80A, S27A, S56A, S69A, S62A, S83A.
Identifiers: ClinVar variation 4113547 (VCV004113547.1).

ClinVar aggregate classification (germline): Uncertain significance (1 of 4 stars; one submission).

Conditions:
Hereditary cancer-predisposing syndrome. Also called: Hereditary neoplastic syndrome; Neoplastic Syndromes, Hereditary; Tumor predisposition; Hereditary Cancer Syndrome. Identifiers: Orphanet 140162, MedGen C0027672, MeSH D009386, MONDO:0015356.

Submission:

Ambry Genetics
Classification: Uncertain significance for Hereditary cancer-predisposing syndrome. Last evaluated: 2025-08-27. Review status: criteria provided, single submitter. Criteria: Ambry Variant Classification Scheme 2023. Collection method: clinical testing. Allele origin: germline.
Comment: The p.S83A variant (also known as c.247T>G), located in coding exon 3 of the MUTYH gene, results from a T to G substitution at nucleotide position 247. The serine at codon 83 is replaced by alanine, an amino acid with similar properties. This amino acid position is conserved. In addition, this alteration is predicted to be tolerated by in silico analysis. Based on the available evidence, the clinical significance of this variant remains unclear.